The following is an entry in ClinVar:

ClinVar aggregate classification (germline): Uncertain significance (1 of 4 stars; one submission).

Conditions:
Congenital myasthenic syndrome 18. Also called: MYASTHENIC SYNDROME, CONGENITAL, 18, WITH INTELLECTUAL DISABILITY AND ATAXIA. Identifiers: Orphanet 590, MedGen C4225364, MONDO:0014590, OMIM 616330.

Submission:

Labcorp Genetics (formerly Invitae), Labcorp
Classification: Uncertain significance for Congenital myasthenic syndrome 18. Last evaluated: 2024-05-23. Review status: criteria provided, single submitter. Criteria: Invitae Variant Classification Sherloc (09022015). Collection method: clinical testing. Allele origin: germline.
Comment: This sequence change replaces aspartic acid, which is acidic and polar, with glutamic acid, which is acidic and polar, at codon 4 of the SNAP25 protein (p.Asp4Glu). This variant is not present in population databases (gnomAD no frequency). This variant has not been reported in the literature in individuals affected with SNAP25-related conditions. An algorithm developed to predict the effect of missense changes on protein structure and function (PolyPhen-2) suggests that this variant is likely to be tolerated. In summary, the available evidence is currently insufficient to determine the role of this variant in disease. Therefore, it has been classified as a Variant of Uncertain Significance.

NM_130811.4(SNAP25):c.12C>G (p.Asp4Glu)

Gene: SNAP25 (synaptosome associated protein 25; plus strand). Cytogenetic location: 20p12.2.
Variant type: single nucleotide variant.
Coding change: c.12C>G on transcript NM_130811.4 (MANE Select); coding-DNA position 12, C replaced by G.
Protein change: p.Asp4Glu; replaces aspartic acid 4 with glutamic acid.
Molecular consequence: missense variant.
Genome position (GRCh38, 1-based): chr20:10,275,503, C>G. VCF-style: chr20-10275503-C-G. GRCh37 (hg19) VCF-style: chr20-10256151-C-G.
Other names: c.12C>G, p.Asp4Glu (NM_001322902.2, NM_001322903.2, NM_001322904.2 and 9 more transcripts); short protein forms D4E.
Identifiers: ClinVar variation 3726958 (VCV003726958.2).
Genomic context (GRCh38, chr20:10,275,503, plus strand): 5'-CCGTCACTGACCCCCCAGCCCAGGCGCCCAGCCACTCCCCACCGCTACCATGGCCGAAGA[C>G]GCAGACATGCGCAATGAGCTGGAGGAGATGCAGCGAAGGGCTGACCAGTTGGCTGATGAG-3'
Protein context (NP_570824.1, residues 1-14): MAE[Asp4Glu]ADMRNELEEM